The following is an entry in ClinVar:

NM_004370.6(COL12A1):c.4088C>T (p.Ser1363Leu)

Gene: COL12A1 (collagen type XII alpha 1 chain; minus strand). Cytogenetic location: 6q13.
Variant type: single nucleotide variant.
Coding change: c.4088C>T on transcript NM_004370.6 (MANE Select); coding-DNA position 4088, C replaced by T.
Protein change: p.Ser1363Leu; replaces serine 1363 with leucine.
Molecular consequence: missense variant.
Genome position (GRCh38, 1-based): chr6:75,151,200, G>A on the plus strand (C>T on the coding strand, the complement: COL12A1 is on the minus strand). VCF-style: chr6-75151200-G-A. GRCh37 (hg19) VCF-style: chr6-75860916-G-A.
Other names: c.4088C>T, p.Ser1363Leu (NM_001424113.1, NM_001424114.1); c.3815C>T, p.Ser1272Leu (NM_001424115.1); c.596C>T, p.Ser199Leu (NM_001424116.1, NM_080645.3); short protein forms S1272L, S1363L, S199L.
Identifiers: ClinVar variation 3751410 (VCV003751410.2).

ClinVar aggregate classification (germline): Uncertain significance (1 of 4 stars; one submission).

Conditions:
Ullrich congenital muscular dystrophy 2 (UCMD2). Identifiers: Orphanet 75840, MedGen C4225314, MONDO:0014654, OMIM 616470.
Bethlem myopathy 2 (BTHLM2). Identifiers: Orphanet 536516, Orphanet 610, MedGen C4225313, MONDO:0034022, OMIM 616471.

gnomAD v4.1: 1 of 1,613,452 alleles (0.000062%); highest among the groups gnomAD compares: African/African-American, 0.0013%; no homozygotes.

Submission:

Labcorp Genetics (formerly Invitae), Labcorp
Classification: Uncertain significance for Bethlem myopathy 2; Ullrich congenital muscular dystrophy 2. Last evaluated: 2024-03-27. Review status: criteria provided, single submitter. Criteria: Invitae Variant Classification Sherloc (09022015). Collection method: clinical testing. Allele origin: germline.
Comment: This sequence change replaces serine, which is neutral and polar, with leucine, which is neutral and non-polar, at codon 1363 of the COL12A1 protein (p.Ser1363Leu). This variant is not present in population databases (gnomAD no frequency). This variant has not been reported in the literature in individuals affected with COL12A1-related conditions. Advanced modeling of protein sequence and biophysical properties (such as structural, functional, and spatial information, amino acid conservation, physicochemical variation, residue mobility, and thermodynamic stability) performed at Invitae indicates that this missense variant is not expected to disrupt COL12A1 protein function with a negative predictive value of 80%. In summary, the available evidence is currently insufficient to determine the role of this variant in disease. Therefore, it has been classified as a Variant of Uncertain Significance.